The following is an entry in ClinVar:

NM_003327.4(TNFRSF4):c.425A>G (p.Lys142Arg)

Gene: TNFRSF4 (TNF receptor superfamily member 4; minus strand). Cytogenetic location: 1p36.33.
Variant type: single nucleotide variant.
Coding change: c.425A>G on transcript NM_003327.4 (MANE Select); coding-DNA position 425, A replaced by G.
Protein change: p.Lys142Arg; replaces lysine 142 with arginine.
Molecular consequence: missense variant.
Genome position (GRCh38, 1-based): chr1:1,212,650, T>C on the plus strand (A>G on the coding strand, the complement: TNFRSF4 is on the minus strand). VCF-style: chr1-1212650-T-C. GRCh37 (hg19) VCF-style: chr1-1148030-T-C.
Other names: c.425A>G, p.Lys142Arg (NM_001410709.1); short protein forms K142R.
Identifiers: ClinVar variation 2918987 (VCV002918987.3), dbSNP rs974620042, ClinGen allele CA16732183.

ClinVar aggregate classification (germline): Uncertain significance (1 of 4 stars; one submission).

Conditions:
Combined immunodeficiency due to OX40 deficiency. Also called: OX40 DEFICIENCY; Immunodeficiency 16. Identifiers: Orphanet 431149, MedGen C3810053, MONDO:0014268, OMIM 615593.

Allele frequency attached by ClinVar (database versions not stated): gnomAD exomes below 0.00001; TOPMed 0.00001; gnomAD 0.00003.
gnomAD v4.1: 9 of 1,408,048 alleles (0.00064%); highest among the groups gnomAD compares: Middle Eastern, 0.068%; no homozygotes.

Submission:

Labcorp Genetics (formerly Invitae), Labcorp
Classification: Uncertain significance for Combined immunodeficiency due to OX40 deficiency. Last evaluated: 2024-10-22. Review status: criteria provided, single submitter. Criteria: Invitae Variant Classification Sherloc (09022015). Collection method: clinical testing. Allele origin: germline.
Comment: This sequence change replaces lysine, which is basic and polar, with arginine, which is basic and polar, at codon 142 of the TNFRSF4 protein (p.Lys142Arg). This variant is not present in population databases (gnomAD no frequency). This variant has not been reported in the literature in individuals affected with TNFRSF4-related conditions. Invitae Evidence Modeling of protein sequence and biophysical properties (such as structural, functional, and spatial information, amino acid conservation, physicochemical variation, residue mobility, and thermodynamic stability) indicates that this missense variant is not expected to disrupt TNFRSF4 protein function with a negative predictive value of 80%. In summary, the available evidence is currently insufficient to determine the role of this variant in disease. Therefore, it has been classified as a Variant of Uncertain Significance.